The following is an entry in ClinVar:

NM_003922.4(HERC1):c.3135T>G (p.Ser1045Arg)

Gene: HERC1 (HECT and RLD domain containing E3 ubiquitin protein ligase family member 1; minus strand). Cytogenetic location: 15q22.31.
Variant type: single nucleotide variant.
Coding change: c.3135T>G on transcript NM_003922.4 (MANE Select); coding-DNA position 3135, T replaced by G.
Protein change: p.Ser1045Arg; replaces serine 1045 with arginine.
Molecular consequence: missense variant.
Genome position (GRCh38, 1-based): chr15:63,729,255, A>C on the plus strand (T>G on the coding strand, the complement: HERC1 is on the minus strand). VCF-style: chr15-63729255-A-C. GRCh37 (hg19) VCF-style: chr15-64021454-A-C.
Other names: short protein forms S1045R.
Identifiers: ClinVar variation 1318734 (VCV001318734.2), dbSNP rs2140915409, ClinGen allele CA392758870.
Genomic context (GRCh38, chr15:63,729,255, plus strand): 5'-CTTAATGACTGATTAAATTTGAAATGAAATACCAAACTCACCTCTTAATTTTTCTCCAAC[A>C]CTGCCATTCCAAGGACTTTCTTTGAGCAAATTTGCAGAACGTGAATAAATATCTGTGGCA-3'
Protein context (NP_003913.3, residues 1035-1055): NLLKESPWNG[Ser1045Arg]VGEKLRDVIY

ClinVar aggregate classification (germline): Uncertain significance (1 of 4 stars; one submission).

Submission:

GeneDx
Classification: Uncertain significance. Last evaluated: 2019-06-25. Review status: criteria provided, single submitter. Criteria: GeneDx Variant Classification Process June 2021. Collection method: clinical testing. Allele origin: germline. Affected: yes.
Comment: Not observed [at a significant frequency] in large population cohorts (Lek et al., 2016); In silico analysis, which includes protein predictors and evolutionary conservation, supports that this variant does not alter protein structure/function; Has not been previously published as pathogenic or benign to our knowledge